The following is an entry in ClinVar:

ClinVar aggregate classification (germline): Uncertain significance (1 of 4 stars; one submission).

Submission:

Labcorp Genetics (formerly Invitae), Labcorp
Classification: Uncertain significance. Last evaluated: 2024-11-23. Review status: criteria provided, single submitter. Criteria: Invitae Variant Classification Sherloc (09022015). Collection method: clinical testing. Allele origin: germline.
Comment: This sequence change replaces lysine, which is basic and polar, with arginine, which is basic and polar, at codon 850 of the ARHGEF1 protein (p.Lys850Arg). This variant is not present in population databases (gnomAD no frequency). This variant has not been reported in the literature in individuals affected with ARHGEF1-related conditions. An algorithm developed to predict the effect of missense changes on protein structure and function outputs the following: PolyPhen-2: "Benign". The arginine amino acid residue is found in multiple mammalian species, which suggests that this missense change does not adversely affect protein function. In summary, the available evidence is currently insufficient to determine the role of this variant in disease. Therefore, it has been classified as a Variant of Uncertain Significance.

NM_004706.4(ARHGEF1):c.2504A>G (p.Lys835Arg)

Gene: ARHGEF1 (Rho guanine nucleotide exchange factor 1; plus strand). Cytogenetic location: 19q13.2.
Variant type: single nucleotide variant.
Coding change: c.2504A>G on transcript NM_004706.4 (MANE Select); coding-DNA position 2504, A replaced by G.
Protein change: p.Lys835Arg; replaces lysine 835 with arginine.
Molecular consequence: missense variant. On other transcripts: non-coding transcript variant (2), intron variant (4).
Genome position (GRCh38, 1-based): chr19:41,906,469, A>G. VCF-style: chr19-41906469-A-G. GRCh37 (hg19) VCF-style: chr19-42410621-A-G.
Other names: c.2672A>G, p.Lys891Arg (NM_001396000.1); c.2405A>G, p.Lys802Arg (NM_198977.2); c.2549A>G, p.Lys850Arg (NM_199002.2); c.2492-234A>G (NM_001396003.1, NM_001396006.1); c.2393-234A>G (NM_001396002.1, NM_001396004.1); short protein forms K835R, K850R, K802R, K891R.
Identifiers: ClinVar variation 3725894 (VCV003725894.2).